The following is an entry in ClinVar:

ClinVar aggregate classification (germline): Uncertain significance (1 of 4 stars; one submission).

Conditions:
NRP2-related disorder. Also called: NRP2-related condition.

Submission:

PreventionGenetics, part of Exact Sciences
Classification: Uncertain significance for NRP2-related condition. Last evaluated: 2026-06-18. Review status: criteria provided, single submitter. Criteria: ACMG Guidelines, 2015. Collection method: clinical testing. Allele origin: germline.
Comment: The NRP2 c.1267G>C variant is predicted to result in the amino acid substitution p.Glu423Gln. To our knowledge, this variant has not been reported in the literature. This variant is reported in 0.00088% of alleles in individuals of European (Non-Finnish) descent in gnomAD. At this time, the clinical significance of this variant is uncertain due to the absence of conclusive functional and genetic evidence.

NM_003872.3(NRP2):c.1267G>C (p.Glu423Gln)

Gene: NRP2 (neuropilin 2; plus strand). Cytogenetic location: 2q33.3.
Variant type: single nucleotide variant.
Coding change: c.1267G>C on transcript NM_003872.3 (MANE Select); coding-DNA position 1267, G replaced by C.
Protein change: p.Glu423Gln; replaces glutamic acid 423 with glutamine.
Molecular consequence: missense variant.
Genome position (GRCh38, 1-based): chr2:205,740,639, G>C. VCF-style: chr2-205740639-G-C. GRCh37 (hg19) VCF-style: chr2-206605363-G-C.
Other names: c.1267G>C, p.Glu423Gln (NM_018534.4, NM_201264.2, NM_201266.2 and 2 more transcripts); short protein forms E423Q.
Identifiers: ClinVar variation 4986321 (VCV004986321.1).